The following is an entry in ClinVar:

ClinVar aggregate classification (germline): Conflicting classifications of pathogenicity. Review status: criteria provided, conflicting classifications (1 of 4 stars). 2 submissions from 2 submitters: Pathogenic (1); Uncertain significance (1). Last evaluated 2025-03-12.

Conditions:
Telangiectasia, hereditary hemorrhagic, type 2 (HHT2). Also called: ACVRL1-Related Hereditary Hemorrhagic Telangiectasia; Telangiectasia, hereditary hemorrhagic, type II. Identifiers: Orphanet 774, MedGen C1838163, MONDO:0010880, OMIM 600376. Disease mechanism: loss of function.
Cardiovascular phenotype. Identifiers: MedGen CN230736.

Submissions (2):

Labcorp Genetics (formerly Invitae), Labcorp
Classification: Pathogenic for Telangiectasia, hereditary hemorrhagic, type 2. Last evaluated: 2025-03-12. Review status: criteria provided, single submitter. Criteria: Invitae Variant Classification Sherloc (09022015). Collection method: clinical testing. Allele origin: germline.
Comment: This sequence change replaces threonine, which is neutral and polar, with isoleucine, which is neutral and non-polar, at codon 481 of the ACVRL1 protein (p.Thr481Ile). This variant is not present in population databases (gnomAD no frequency). This missense change has been observed in individual(s) with hereditary hemorrhagic telangiectasia (PMID: 16123970; internal data). ClinVar contains an entry for this variant (Variation ID: 1772730). Invitae Evidence Modeling of protein sequence and biophysical properties (such as structural, functional, and spatial information, amino acid conservation, physicochemical variation, residue mobility, and thermodynamic stability) indicates that this missense variant is expected to disrupt ACVRL1 protein function with a positive predictive value of 95%. For these reasons, this variant has been classified as Pathogenic.

Ambry Genetics
Classification: Uncertain significance for Cardiovascular phenotype. Last evaluated: 2015-04-28. Review status: criteria provided, single submitter. Criteria: Ambry Variant Classification Scheme 2023. Collection method: clinical testing. Allele origin: germline.
Comment: The p.T481I variant (also known as c.1442C>T), located in coding exon 9 of the ACVRL1 gene, results from a C to T substitution at nucleotide position 1442. The threonine at codon 481 is replaced by isoleucine, an amino acid with similar properties. In one study, this variant was detected in one monozygotic twin sister. This variant was not reported in population based cohorts in the following databases: Database of Single Nucleotide Polymorphisms (dbSNP), NHLBI Exome Sequencing Project (ESP), and 1000 Genomes Project. In the ESP, this variant was not observed in 6503 samples (13006 alleles) with coverage at this position. This amino acid position is highly conserved in available vertebrate species. In addition, this alteration is predicted to be deleterious by in silico analysis. Since supporting evidence is still limited at this time, the clinical significance of this variant remains unclear.

Literature cited by the submitters: PubMed 16123970 (cited by Labcorp Genetics (formerly Invitae), Labcorp).

NM_000020.3(ACVRL1):c.1442C>T (p.Thr481Ile)

Gene: ACVRL1 (activin A receptor like type 1; plus strand). Cytogenetic location: 12q13.13.
Variant type: single nucleotide variant.
Coding change: c.1442C>T on transcript NM_000020.3 (MANE Select); coding-DNA position 1442, C replaced by T.
Protein change: p.Thr481Ile; replaces threonine 481 with isoleucine.
Molecular consequence: missense variant.
Genome position (GRCh38, 1-based): chr12:51,920,823, C>T. VCF-style: chr12-51920823-C-T. GRCh37 (hg19) VCF-style: chr12-52314607-C-T.
Other names: c.1442C>T, p.Thr481Ile (NM_001077401.2, NM_001406487.1); c.1286C>T, p.Thr429Ile (NM_001406490.1); c.1130C>T, p.Thr377Ile (NM_001406491.1, NM_001406492.1); c.932C>T, p.Thr311Ile (NM_001406494.1); c.878C>T, p.Thr293Ile (NM_001406495.1); short protein forms T293I, T429I, T311I, T377I, T481I.
Identifiers: ClinVar variation 1772730 (VCV001772730.5), dbSNP rs2540174718, ClinGen allele CA384905729.